The following is an entry in ClinVar:

NM_002890.3(RASA1):c.1280G>A (p.Arg427Gln)

Genes: CCNH (cyclin H; minus strand), RASA1 (RAS p21 protein activator 1; plus strand). Cytogenetic location: 5q14.3.
Variant type: single nucleotide variant.
Coding change: c.1280G>A on transcript NM_002890.3 (MANE Select); coding-DNA position 1280, G replaced by A.
Protein change: p.Arg427Gln; replaces arginine 427 with glutamine.
Molecular consequence: missense variant. On other transcripts: intron variant (1).
Genome position (GRCh38, 1-based): chr5:87,353,183, G>A. VCF-style: chr5-87353183-G-A. GRCh37 (hg19) VCF-style: chr5-86649000-G-A.
Other names: c.749G>A, p.Arg250Gln (NM_022650.3); c.934-40388C>T (NM_001364075.2); short protein forms R250Q, R427Q.
Identifiers: ClinVar variation 657954 (VCV000657954.8), dbSNP rs755634472, ClinGen allele CA3335701.

ClinVar aggregate classification (germline): Conflicting classifications of pathogenicity. Review status: criteria provided, conflicting classifications (1 of 4 stars). 2 submissions from 2 submitters: Uncertain significance (1); Likely benign (1). Last evaluated 2026-01-11.

Conditions:
Capillary malformation-arteriovenous malformation syndrome. Also called: Capillary malformation-arteriovenous malformation. Identifiers: Orphanet 137667, MedGen C1842180, MONDO:0012016.
Cardiovascular phenotype. Identifiers: MedGen CN230736.

Allele frequency attached by ClinVar (database versions not stated): TOPMed 0.00002; ExAC 0.00003; gnomAD exomes 0.00003; gnomAD 0.00003.
gnomAD v4.1: 47 of 1,610,364 alleles (0.0029%); highest among the groups gnomAD compares: East Asian, 0.0067%; no homozygotes.

Submissions (2):

Labcorp Genetics (formerly Invitae), Labcorp
Classification: Uncertain significance for Capillary malformation-arteriovenous malformation syndrome. Last evaluated: 2026-01-11. Review status: criteria provided, single submitter. Criteria: Invitae Variant Classification Sherloc (09022015). Collection method: clinical testing. Allele origin: germline.
Comment: This sequence change replaces arginine, which is basic and polar, with glutamine, which is neutral and polar, at codon 427 of the RASA1 protein (p.Arg427Gln). This variant is present in population databases (rs755634472, gnomAD 0.02%). This missense change has been observed in individual(s) with sporadic brain arteriovenous malformations (PMID: 30120215). ClinVar contains an entry for this variant (Variation ID: 657954). An algorithm developed to predict the effect of missense changes on protein structure and function (PolyPhen-2) suggests that this variant is likely to be tolerated. In summary, the available evidence is currently insufficient to determine the role of this variant in disease. Therefore, it has been classified as a Variant of Uncertain Significance.

Ambry Genetics
Classification: Likely benign for Cardiovascular phenotype. Last evaluated: 2026-01-05. Review status: criteria provided, single submitter. Criteria: Ambry Variant Classification Scheme 2023. Collection method: clinical testing. Allele origin: germline.

Literature cited by the submitters: PubMed 30120215 (cited by Labcorp Genetics (formerly Invitae), Labcorp and Ambry Genetics).